The following is an entry in ClinVar:

NM_000138.5(FBN1):c.7205-277T>C

Gene: FBN1 (fibrillin 1; minus strand). Cytogenetic location: 15q21.1.
Variant type: single nucleotide variant.
Coding change: c.7205-277T>C on transcript NM_000138.5 (MANE Select); 277 bases into the intron before coding-DNA position 7205, T replaced by C.
Molecular consequence: intron variant.
Genome position (GRCh38, 1-based): chr15:48,426,141, A>G on the plus strand (T>C on the coding strand, the complement: FBN1 is on the minus strand). VCF-style: chr15-48426141-A-G. GRCh37 (hg19) VCF-style: chr15-48718338-A-G.
Identifiers: ClinVar variation 669683 (VCV000669683.1), dbSNP rs73392115, ClinGen allele CA15849937.

ClinVar aggregate classification (germline): Likely benign (1 of 4 stars; one submission).

Allele frequency attached by ClinVar (database versions not stated): gnomAD 0.02320 and 0.02418; TOPMed 0.02754; 1000 Genomes Project 30x 0.04716; 1000 Genomes Project 0.04892.
gnomAD v4.1: 3,745 of 152,222 alleles (2.5%); highest among the groups gnomAD compares: East Asian, 8.1%; 80 homozygotes.

Submission:

GeneDx
Classification: Likely benign. Last evaluated: 2018-06-14. Review status: criteria provided, single submitter. Criteria: GeneDx Variant Classification (06012015). Collection method: clinical testing. Allele origin: germline. Affected: yes.
Comment: This variant is considered likely benign or benign based on one or more of the following criteria: it is a conservative change, it occurs at a poorly conserved position in the protein, it is predicted to be benign by multiple in silico algorithms, and/or has population frequency not consistent with disease.